The following is an entry in ClinVar:

NM_002691.4(POLD1):c.2572G>T (p.Glu858Ter)

Gene: POLD1 (DNA polymerase delta 1, catalytic subunit; plus strand). Cytogenetic location: 19q13.33.
Variant type: single nucleotide variant.
Coding change: c.2572G>T on transcript NM_002691.4 (MANE Select); coding-DNA position 2572, G replaced by T.
Protein change: p.Glu858Ter; replaces glutamic acid 858 with a stop codon.
Molecular consequence: nonsense. On other transcripts: non-coding transcript variant (1).
Genome position (GRCh38, 1-based): chr19:50,415,445, G>T. VCF-style: chr19-50415445-G-T. GRCh37 (hg19) VCF-style: chr19-50918702-G-T.
Other names: c.2572G>T, p.Glu858Ter (NM_001256849.1); c.2650G>T, p.Glu884Ter (NM_001308632.1); short protein forms E858*, E884*.
Identifiers: ClinVar variation 657465 (VCV000657465.10), dbSNP rs1601242896, ClinGen allele CA406985286.

ClinVar aggregate classification (germline): Uncertain significance (1 of 4 stars; one submission).

Conditions:
POLD1-related polyposis and colorectal cancer syndrome (CRCS10). Also called: Colorectal cancer, susceptibility to, 10; Colorectal cancer 10; COLORECTAL CANCER, SUSCEPTIBILITY TO, ON CHROMOSOME 19q. Identifiers: Orphanet 220460, MedGen C2675481, MONDO:0012953, OMIM 612591.

Submission:

Labcorp Genetics (formerly Invitae), Labcorp
Classification: Uncertain significance for POLD1-related polyposis and colorectal cancer syndrome. Last evaluated: 2019-02-21. Review status: criteria provided, single submitter. Criteria: Invitae Variant Classification Sherloc (09022015). Collection method: clinical testing. Allele origin: germline.
Comment: This sequence change creates a premature translational stop signal (p.Glu858*) in the POLD1 gene. It is expected to result in an absent or disrupted protein product. Missense variants that disrupt the 3'-5' exonuclease (proof-reading) activity of the POLD1 protein, while not abolishing its polymerase enzyme activity, are associated with an increased risk for colonic adenomatous polyps and colon cancer (PMID: 23263490, 23447401). Loss-of-function truncating variants, which result in an absent or severely disrupted POLD1 protein, are therefore unlikely to be associated with disease. Without further clinical and genetic evidence, however, this variant has been classified as a Variant of Uncertain Significance. The current clinical and genetic evidence is not sufficient to establish whether loss-of-function variants in POLD1 cause disease. This variant has not been reported in the literature in individuals with POLD1-related disease. This variant is not present in population databases (ExAC no frequency).

Literature cited by the submitters: PubMed 23263490; PubMed 23447401.